The following is an entry in ClinVar:

NM_000553.6(WRN):c.1501C>A (p.Leu501Met)

Gene: WRN (WRN RecQ like helicase; plus strand). Cytogenetic location: 8p12.
Variant type: single nucleotide variant.
Coding change: c.1501C>A on transcript NM_000553.6 (MANE Select); coding-DNA position 1501, C replaced by A.
Protein change: p.Leu501Met; replaces leucine 501 with methionine.
Molecular consequence: missense variant.
Genome position (GRCh38, 1-based): chr8:31,087,845, C>A. VCF-style: chr8-31087845-C-A. GRCh37 (hg19) VCF-style: chr8-30945361-C-A.
Other names: short protein forms L501M.
Identifiers: ClinVar variation 2713131 (VCV002713131.3), dbSNP rs1398355569, ClinGen allele CA370924471.

ClinVar aggregate classification (germline): Uncertain significance (1 of 4 stars; one submission).

Conditions:
Werner syndrome (WRN). Identifiers: Orphanet 902, MedGen C0043119, MONDO:0010196, OMIM 277700.

Submission:

Labcorp Genetics (formerly Invitae), Labcorp
Classification: Uncertain significance for Werner syndrome. Last evaluated: 2023-06-14. Review status: criteria provided, single submitter. Criteria: Invitae Variant Classification Sherloc (09022015). Collection method: clinical testing. Allele origin: germline.
Comment: This variant is not present in population databases (gnomAD no frequency). This sequence change replaces leucine, which is neutral and non-polar, with methionine, which is neutral and non-polar, at codon 501 of the WRN protein (p.Leu501Met). In summary, the available evidence is currently insufficient to determine the role of this variant in disease. Therefore, it has been classified as a Variant of Uncertain Significance. An algorithm developed to predict the effect of missense changes on protein structure and function (PolyPhen-2) suggests that this variant is likely to be disruptive. This variant has not been reported in the literature in individuals affected with WRN-related conditions.